The following is an entry in ClinVar:

ClinVar aggregate classification (germline): Uncertain significance. Review status: criteria provided, multiple submitters, no conflicts (2 of 4 stars). 2 submissions from 2 submitters: Uncertain significance (2). Last evaluated 2025-12-01.

Conditions:
TCF3-related disorder. Also called: TCF3-related condition.

Allele frequency attached by ClinVar (database versions not stated): TOPMed 0.00008; gnomAD 0.00009.
gnomAD v4.1: 108 of 1,598,036 alleles (0.0068%); highest among the groups gnomAD compares: Admixed American, 0.077%; 1 homozygote.

Submissions (2):

Labcorp Genetics (formerly Invitae), Labcorp
Classification: Uncertain significance. Last evaluated: 2025-12-01. Review status: criteria provided, single submitter. Criteria: Invitae Variant Classification Sherloc (09022015). Collection method: clinical testing. Allele origin: germline.
Comment: This sequence change replaces glycine, which is neutral and non-polar, with serine, which is neutral and polar, at codon 451 of the TCF3 protein (p.Gly451Ser). This variant is present in population databases (rs200168957, gnomAD 0.1%), including at least one homozygous and/or hemizygous individual. This variant has not been reported in the literature in individuals affected with TCF3-related conditions. ClinVar contains an entry for this variant (Variation ID: 1500192). Experimental studies and prediction algorithms are not available or were not evaluated, and the functional significance of this variant is currently unknown. In summary, the available evidence is currently insufficient to determine the role of this variant in disease. Therefore, it has been classified as a Variant of Uncertain Significance.

PreventionGenetics, part of Exact Sciences
Classification: Uncertain significance for TCF3-related condition. Last evaluated: 2022-10-12. Review status: criteria provided, single submitter. Criteria: ACMG Guidelines, 2015. Collection method: clinical testing. Allele origin: germline.
Comment: The TCF3 c.1351G>A variant is predicted to result in the amino acid substitution p.Gly451Ser. To our knowledge, this variant has not been reported in the literature. This variant is reported in 0.11% of alleles in individuals of Latino descent in gnomAD, including one homozygous individual. While this variant may be benign, at this time, the clinical significance of this variant is uncertain due to the absence of conclusive functional and genetic evidence.

NM_003200.5(TCF3):c.1351G>A (p.Gly451Ser)

Gene: TCF3 (transcription factor 3; minus strand). Cytogenetic location: 19p13.3.
Variant type: single nucleotide variant.
Coding change: c.1351G>A on transcript NM_003200.5 (MANE Select); coding-DNA position 1351, G replaced by A.
Protein change: p.Gly451Ser; replaces glycine 451 with serine.
Molecular consequence: missense variant.
Genome position (GRCh38, 1-based): chr19:1,619,210, C>T on the plus strand (G>A on the coding strand, the complement: TCF3 is on the minus strand). VCF-style: chr19-1619210-C-T. GRCh37 (hg19) VCF-style: chr19-1619209-C-T.
Other names: c.1351G>A, p.Gly451Ser (NM_001136139.4, NM_001351779.2); c.1348G>A, p.Gly450Ser (NM_001351778.2); c.1351G>A (NM_003200.3); short protein forms G450S, G451S.
Identifiers: ClinVar variation 1500192 (VCV001500192.6), dbSNP rs200168957, ClinGen allele CA9049889.